The following is an entry in ClinVar:

ClinVar aggregate classification (germline): Uncertain significance. Review status: criteria provided, single submitter (1 of 4 stars). 2 submissions from 2 submitters: Uncertain significance (1). 1 of the submissions does not count toward it. Last evaluated 2021-09-17.

Conditions:
Bardet-Biedl syndrome (BBS). Identifiers: Orphanet 110, MedGen C0752166, MONDO:0015229.
TTC8-related disorder. Also called: TTC8-related condition.

Allele frequency attached by ClinVar (database versions not stated): TOPMed 0.00002; gnomAD 0.00003; gnomAD exomes 0.00001.
gnomAD v4.1: 24 of 1,613,868 alleles (0.0015%); highest among the groups gnomAD compares: Middle Eastern, 0.016%; no homozygotes.

Submissions (2):

Labcorp Genetics (formerly Invitae), Labcorp
Classification: Uncertain significance for Bardet-Biedl syndrome. Last evaluated: 2021-09-17. Review status: criteria provided, single submitter. Criteria: Invitae Variant Classification Sherloc (09022015). Collection method: clinical testing. Allele origin: germline.
Comment: This sequence change replaces arginine with glutamine at codon 337 of the TTC8 protein (p.Arg337Gln). The arginine residue is highly conserved and there is a small physicochemical difference between arginine and glutamine. This variant is not present in population databases (ExAC no frequency). This variant has not been reported in the literature in individuals affected with TTC8-related conditions. Algorithms developed to predict the effect of missense changes on protein structure and function (SIFT, PolyPhen-2, Align-GVGD) all suggest that this variant is likely to be tolerated. In summary, the available evidence is currently insufficient to determine the role of this variant in disease. Therefore, it has been classified as a Variant of Uncertain Significance.

PreventionGenetics, part of Exact Sciences
Classification: Uncertain significance for TTC8-related condition. Last evaluated: 2024-07-03. Review status: no assertion criteria provided. Collection method: clinical testing. Allele origin: germline. Not counted in ClinVar's aggregate classification.
Comment: The TTC8 c.1040G>A variant is predicted to result in the amino acid substitution p.Arg347Gln. To our knowledge, this variant has not been reported in the literature. This variant is reported in 0.0029% of alleles in individuals of Latino descent in gnomAD. At this time, the clinical significance of this variant is uncertain due to the absence of conclusive functional and genetic evidence.

NM_144596.4(TTC8):c.1040G>A (p.Arg347Gln)

Gene: TTC8 (tetratricopeptide repeat domain 8; plus strand). Cytogenetic location: 14q31.3.
Variant type: single nucleotide variant.
Coding change: c.1040G>A on transcript NM_144596.4 (MANE Select); coding-DNA position 1040, G replaced by A.
Protein change: p.Arg347Gln; replaces arginine 347 with glutamine.
Molecular consequence: missense variant. On other transcripts: non-coding transcript variant (1).
Genome position (GRCh38, 1-based): chr14:88,870,189, G>A. VCF-style: chr14-88870189-G-A. GRCh37 (hg19) VCF-style: chr14-89336533-G-A.
Other names: c.1088G>A, p.Arg363Gln (NM_001288781.1); c.446G>A, p.Arg149Gln (NM_001288782.1); c.323G>A, p.Arg108Gln (NM_001288783.1); c.1010G>A, p.Arg337Gln (NM_001366535.2, NM_198309.3); c.920G>A, p.Arg307Gln (NM_001366536.2, NM_198310.3); c.1040G>A (NM_144596.3); short protein forms R347Q, R149Q, R363Q, R108Q, R307Q, R337Q.
Identifiers: ClinVar variation 1484979 (VCV001484979.4), dbSNP rs1246614842, ClinGen allele CA390550135.